The following is an entry in ClinVar:

ClinVar aggregate classification (germline): Uncertain significance (1 of 4 stars; one submission).

Conditions:
Dilated cardiomyopathy 1W (CMD1W). Identifiers: Orphanet 154, MedGen C1969639, MONDO:0012667, OMIM 611407.

Submission:

Labcorp Genetics (formerly Invitae), Labcorp
Classification: Uncertain significance for Dilated cardiomyopathy 1W. Last evaluated: 2025-04-30. Review status: criteria provided, single submitter. Criteria: Invitae Variant Classification Sherloc (09022015). Collection method: clinical testing. Allele origin: germline.
Comment: This sequence change replaces arginine, which is basic and polar, with leucine, which is neutral and non-polar, at codon 1044 of the VCL protein (p.Arg1044Leu). This variant is not present in population databases (gnomAD no frequency). This variant has not been reported in the literature in individuals affected with VCL-related conditions. An algorithm developed to predict the effect of missense changes on protein structure and function (PolyPhen-2) suggests that this variant is likely to be disruptive. In summary, the available evidence is currently insufficient to determine the role of this variant in disease. Therefore, it has been classified as a Variant of Uncertain Significance.

NM_014000.3(VCL):c.3131G>T (p.Arg1044Leu)

Gene: VCL (vinculin; plus strand). Cytogenetic location: 10q22.2.
Variant type: single nucleotide variant.
Coding change: c.3131G>T on transcript NM_014000.3 (MANE Select); coding-DNA position 3131, G replaced by T.
Protein change: p.Arg1044Leu; replaces arginine 1044 with leucine.
Molecular consequence: missense variant.
Genome position (GRCh38, 1-based): chr10:74,114,365, G>T. VCF-style: chr10-74114365-G-T. GRCh37 (hg19) VCF-style: chr10-75874123-G-T.
Other names: c.2927G>T, p.Arg976Leu (NM_003373.4); short protein forms R1044L, R976L.
Identifiers: ClinVar variation 4718702 (VCV004718702.1).